The following is an entry in ClinVar:

NM_001252024.2(TRPM1):c.4201C>A (p.Pro1401Thr)

Gene: TRPM1 (transient receptor potential cation channel subfamily M member 1; minus strand). Cytogenetic location: 15q13.3.
Variant type: single nucleotide variant.
Coding change: c.4201C>A on transcript NM_001252024.2 (MANE Select); coding-DNA position 4201, C replaced by A.
Protein change: p.Pro1401Thr; replaces proline 1401 with threonine.
Molecular consequence: missense variant.
Genome position (GRCh38, 1-based): chr15:31,002,499, G>T on the plus strand (C>A on the coding strand, the complement: TRPM1 is on the minus strand). VCF-style: chr15-31002499-G-T. GRCh37 (hg19) VCF-style: chr15-31294702-G-T.
Other names: c.4252C>A, p.Pro1418Thr (NM_001252020.2); c.4135C>A, p.Pro1379Thr (NM_002420.6); short protein forms P1379T, P1401T, P1418T.
Identifiers: ClinVar variation 315497 (VCV000315497.17), dbSNP rs61734298, ClinGen allele CA7451684.

ClinVar aggregate classification (germline): Benign. Review status: criteria provided, multiple submitters, no conflicts (2 of 4 stars). 4 submissions from 4 submitters: Benign (4). Last evaluated 2026-02-02.

Conditions:
Congenital stationary night blindness 1C. Also called: Night blindness, congenital stationary (complete), 1C, autosomal recessive. Identifiers: Orphanet 215, MedGen C2750747, MONDO:0013183, OMIM 613216.

Allele frequency attached by ClinVar (database versions not stated): 1000 Genomes Project 0.01777; 1000 Genomes Project 30x 0.01827; TOPMed 0.02540; gnomAD 0.02844 and 0.02860; ExAC 0.02990; ESP Exome Variant Server 0.03039; gnomAD exomes 0.03071 and 0.03771.
gnomAD v4.1: 59,312 of 1,614,038 alleles (3.7%); highest among the groups gnomAD compares: Middle Eastern, 4.2%; 1,212 homozygotes.

Submissions (4):

Labcorp Genetics (formerly Invitae), Labcorp
Classification: Benign. Last evaluated: 2026-02-02. Review status: criteria provided, single submitter. Criteria: Invitae Variant Classification Sherloc (09022015). Collection method: clinical testing. Allele origin: germline.

Genome-Nilou Lab
Classification: Benign for Congenital stationary night blindness 1C. Last evaluated: 2021-09-10. Review status: criteria provided, single submitter. Criteria: ACMG Guidelines, 2015. Collection method: clinical testing. Allele origin: germline. Affected: no.

Illumina Laboratory Services, Illumina
Classification: Benign for Congenital stationary night blindness 1C. Last evaluated: 2018-01-12. Review status: criteria provided, single submitter. Criteria: ICSL Variant Classification Criteria 13 December 2019. Collection method: clinical testing. Allele origin: germline.
Comment: This variant was observed in the ICSL laboratory as part of a predisposition screen in an ostensibly healthy population. It had not been previously curated by ICSL or reported in the Human Gene Mutation Database (HGMD: prior to June 1st, 2018), and was therefore a candidate for classification through an automated scoring system. Utilizing variant allele frequency, disease prevalence and penetrance estimates, and inheritance mode, an automated score was calculated to assess if this variant is too frequent to cause the disease. Based on the score and internal cut-off values, a variant classified as benign is not then subjected to further curation. The score for this variant resulted in a classification of benign for this disease.

Breakthrough Genomics
Classification: Benign. Review status: criteria provided, single submitter. Criteria: ACMG Guidelines, 2015. Collection method: not provided. Allele origin: germline. Inheritance: Unknown mechanism. Affected: yes.